The following is an entry in ClinVar:

NM_000500.9(CYP21A2):c.597A>T (p.Leu199Phe)

Genes: CYP21A2 (cytochrome P450 family 21 subfamily A member 2; plus strand), LOC106780800 (CYP21A2 recombination region; plus strand). Cytogenetic location: 6p21.33.
Variant type: single nucleotide variant.
Coding change: c.597A>T on transcript NM_000500.9 (MANE Select); coding-DNA position 597, A replaced by T.
Protein change: p.Leu199Phe; replaces leucine 199 with phenylalanine.
Molecular consequence: missense variant.
Genome position (GRCh38, 1-based): chr6:32,039,593, A>T. VCF-style: chr6-32039593-A-T. GRCh37 (hg19) VCF-style: chr6-32007370-A-T.
Other names: c.507A>T, p.Leu169Phe (NM_001128590.4); c.192A>T, p.Leu64Phe (NM_001368143.2, NM_001368144.2); short protein forms L64F, L199F, L169F.
Identifiers: ClinVar variation 802197 (VCV000802197.5), dbSNP rs143240527, ClinGen allele CA3732447.

ClinVar aggregate classification (germline): Conflicting classifications of pathogenicity. Review status: criteria provided, conflicting classifications (1 of 4 stars). 5 submissions from 5 submitters: Uncertain significance (3); Likely benign (2). Last evaluated 2025-06-06.

Conditions:
21-Hydroxylase-Deficient Congenital Adrenal Hyperplasia. Also called: ADRENAL HYPERPLASIA, CONGENITAL, DUE TO 21-HYDROXYLASE DEFICIENCY; ADRENAL HYPERPLASIA III. Identifiers: MedGen C2936858, OMIM 201910.
CYP21A2-related disorder. Also called: CYP21A2-related condition.

Allele frequency attached by ClinVar (database versions not stated): gnomAD exomes 0.00026 and 0.00049; ESP Exome Variant Server 0.00116; ExAC 0.00139; TOPMed 0.00196; gnomAD 0.00204 and 0.00214; 1000 Genomes Project 0.00359; 1000 Genomes Project 30x 0.00422.
gnomAD v4.1: 708 of 1,576,128 alleles (0.045%); highest among the groups gnomAD compares: African/African-American, 0.81%; 7 homozygotes.

Submissions (5):

PreventionGenetics, part of Exact Sciences
Classification: Uncertain significance for CYP21A2-related condition. Last evaluated: 2025-06-06. Review status: criteria provided, single submitter. Criteria: ACMG Guidelines, 2015. Collection method: clinical testing. Allele origin: germline.
Comment: The CYP21A2 c.597A>T variant is predicted to result in the amino acid substitution p.Leu199Phe. Elmougy et al. suspected this variant may have no deleterious effect or may have a synergistical effect with other variants to explain patients’ phenotype. This variant is reported in 0.69% of alleles in individuals of African descent in gnomAD. This variant falls within a highly paralogous region. Allele frequency data should be interpreted with caution. Although we suspect that this variant may be benign, at this time, the clinical significance of this variant is uncertain due to the absence of conclusive functional and genetic evidence.

Blueprint Genetics
Classification: Uncertain significance. Last evaluated: 2024-11-01. Review status: criteria provided, single submitter. Criteria: ACMG Guidelines, 2015. Collection method: clinical testing. Allele origin: germline.

Quest Diagnostics Nichols Institute San Juan Capistrano
Classification: Likely benign. Last evaluated: 2022-12-22. Review status: criteria provided, single submitter. Criteria: Quest Diagnostics criteria. Collection method: clinical testing. Allele origin: unknown.

Mendelics
Classification: Uncertain significance for 21-Hydroxylase-Deficient Congenital Adrenal Hyperplasia. Last evaluated: 2019-05-28. Review status: criteria provided, single submitter. Criteria: Mendelics Assertion Criteria 2017. Collection method: clinical testing. Allele origin: unknown.

Athena Diagnostics
Classification: Likely benign. Last evaluated: 2019-05-17. Review status: criteria provided, single submitter. Criteria: Athena Diagnostics Criteria. Collection method: clinical testing. Allele origin: germline.

Literature cited by the submitters: PubMed 23359706 (cited by Quest Diagnostics Nichols Institute San Juan Capistrano and Athena Diagnostics); PubMed 29266270 (cited by Quest Diagnostics Nichols Institute San Juan Capistrano and Athena Diagnostics); PubMed 21169732 (cited by Quest Diagnostics Nichols Institute San Juan Capistrano and Athena Diagnostics).